The following is an entry in ClinVar:

ClinVar aggregate classification (germline): Uncertain significance (1 of 4 stars; one submission).

Conditions:
Long QT syndrome (LQTS). Identifiers: MedGen C0023976, MeSH D008133, MONDO:0002442. Disease mechanism: loss of function. Inheritance: Various modes of inheritance.

Allele frequency attached by ClinVar (database versions not stated): gnomAD exomes below 0.00001; gnomAD 0.00001.
gnomAD v4.1: 3 of 1,612,564 alleles (0.00019%); highest among the groups gnomAD compares: Non-Finnish European, 0.00025%; no homozygotes.

Submission:

Labcorp Genetics (formerly Invitae), Labcorp
Classification: Uncertain significance for Long QT syndrome. Last evaluated: 2021-12-03. Review status: criteria provided, single submitter. Criteria: Invitae Variant Classification Sherloc (09022015). Collection method: clinical testing. Allele origin: germline.
Comment: Algorithms developed to predict the effect of missense changes on protein structure and function (SIFT, PolyPhen-2, Align-GVGD) all suggest that this variant is likely to be tolerated. In summary, the available evidence is currently insufficient to determine the role of this variant in disease. Therefore, it has been classified as a Variant of Uncertain Significance. This variant is present in population databases (no rsID available, gnomAD 0.0009%). This sequence change replaces alanine, which is neutral and non-polar, with glycine, which is neutral and non-polar, at codon 305 of the CACNA1C protein (p.Ala305Gly). This variant has not been reported in the literature in individuals affected with CACNA1C-related conditions.

NM_000719.7(CACNA1C):c.914C>G (p.Ala305Gly)

Gene: CACNA1C (calcium voltage-gated channel subunit alpha1 C; plus strand). Cytogenetic location: 12p13.33.
Variant type: single nucleotide variant.
Coding change: c.914C>G on transcript NM_000719.7 (MANE Select); coding-DNA position 914, C replaced by G.
Protein change: p.Ala305Gly; replaces alanine 305 with glycine.
Molecular consequence: missense variant.
Genome position (GRCh38, 1-based): chr12:2,486,260, C>G. VCF-style: chr12-2486260-C-G. GRCh37 (hg19) VCF-style: chr12-2595426-C-G.
Other names: c.914C>G, p.Ala305Gly (NM_001129827.2, NM_001129829.2, NM_001129830.3 and 19 more transcripts); short protein forms A305G.
Identifiers: ClinVar variation 1418835 (VCV001418835.6), dbSNP rs948804634, ClinGen allele CA231592269.